The following is an entry in ClinVar:

NM_001330360.2(POLA1):c.46C>G (p.Leu16Val)

Gene: POLA1 (DNA polymerase alpha 1, catalytic subunit; plus strand). Cytogenetic location: Xp22.11.
Variant type: single nucleotide variant.
Coding change: c.46C>G on transcript NM_001330360.2 (MANE Select); coding-DNA position 46, C replaced by G.
Protein change: p.Leu16Val; replaces leucine 16 with valine.
Molecular consequence: missense variant. On other transcripts: non-coding transcript variant (2).
Genome position (GRCh38, 1-based): chrX:24,699,427, C>G. VCF-style: chrX-24699427-C-G. GRCh37 (hg19) VCF-style: chrX-24717544-C-G.
Other names: c.46C>G, p.Leu16Val (NM_001378303.1); c.28C>G, p.Leu10Val (NM_016937.4); short protein forms L16V, L10V.
Identifiers: ClinVar variation 3630492 (VCV003630492.2).

ClinVar aggregate classification (germline): Uncertain significance (1 of 4 stars; one submission).

gnomAD v4.1: 7 of 1,153,121 alleles (0.00061%); highest among the groups gnomAD compares: African/African-American, 0.0091%; no homozygotes.

Submission:

Labcorp Genetics (formerly Invitae), Labcorp
Classification: Uncertain significance. Last evaluated: 2024-02-02. Review status: criteria provided, single submitter. Criteria: Invitae Variant Classification Sherloc (09022015). Collection method: clinical testing. Allele origin: germline.
Comment: This sequence change replaces leucine, which is neutral and non-polar, with valine, which is neutral and non-polar, at codon 10 of the POLA1 protein (p.Leu10Val). This variant is present in population databases (rs778800377, gnomAD 0.01%), including at least one homozygous and/or hemizygous individual. This variant has not been reported in the literature in individuals affected with POLA1-related conditions. Algorithms developed to predict the effect of missense changes on protein structure and function output the following: SIFT: "Not Available"; PolyPhen-2: "Benign"; Align-GVGD: "Not Available". The valine amino acid residue is found in multiple mammalian species, which suggests that this missense change does not adversely affect protein function. In summary, the available evidence is currently insufficient to determine the role of this variant in disease. Therefore, it has been classified as a Variant of Uncertain Significance.